The following is an entry in ClinVar:

NM_004036.5(ADCY3):c.2430C>T (p.His810=)

Gene: ADCY3 (adenylate cyclase 3; minus strand). Cytogenetic location: 2p23.3.
Variant type: single nucleotide variant.
Coding change: c.2430C>T on transcript NM_004036.5 (MANE Select); coding-DNA position 2430, C replaced by T.
Protein change: p.His810=; no amino-acid change (histidine 810 retained).
Molecular consequence: synonymous variant. On other transcripts: intron variant (1).
Genome position (GRCh38, 1-based): chr2:24,827,904, G>A on the plus strand (C>T on the coding strand, the complement: ADCY3 is on the minus strand). VCF-style: chr2-24827904-G-A. GRCh37 (hg19) VCF-style: chr2-25050773-G-A.
Other names: c.2430C>T, p.His810= (NM_001320613.2, NM_001377132.1); c.2496C>T, p.His832= (NM_001377128.1); c.2292C>T, p.His764= (NM_001377129.1); c.1707C>T, p.His569= (NM_001377131.1); c.2172+2805C>T (NM_001377130.1); c.2430C>T (NM_001320613.1).
Identifiers: ClinVar variation 1531139 (VCV001531139.21), dbSNP rs139420185, ClinGen allele CA1553778.

ClinVar aggregate classification (germline): Likely benign. Review status: criteria provided, multiple submitters, no conflicts (2 of 4 stars). 3 submissions from 3 submitters: Likely benign (2). 1 of the submissions does not count toward it. Last evaluated 2025-08-25.

Conditions:
ADCY3-related disorder. Also called: ADCY3-related condition.

Allele frequency attached by ClinVar (database versions not stated): 1000 Genomes Project 30x 0.00031; 1000 Genomes Project 0.00040; gnomAD exomes 0.00043; gnomAD 0.00051 and 0.00055; ESP Exome Variant Server 0.00077; ExAC 0.00045; TOPMed 0.00050.
gnomAD v4.1: 1,007 of 1,613,982 alleles (0.062%); highest among the groups gnomAD compares: Non-Finnish European, 0.077%; 1 homozygote.

Submissions (7):

Labcorp Genetics (formerly Invitae), Labcorp
Classification: Likely benign. Last evaluated: 2025-08-25. Review status: criteria provided, single submitter. Criteria: Invitae Variant Classification Sherloc (09022015). Collection method: clinical testing. Allele origin: germline.

CeGaT Center for Human Genetics Tuebingen
Classification: Likely benign. Last evaluated: 2025-04-01. Review status: criteria provided, single submitter. Criteria: CeGaT Center For Human Genetics Tuebingen Variant Classification Criteria Version 2. Collection method: clinical testing. Allele origin: germline. Affected: yes. Observed: 1 variant allele.
Comment: ADCY3: BP4, BP7

PreventionGenetics, part of Exact Sciences
Classification: Likely benign for ADCY3-related condition. Last evaluated: 2024-08-29. Review status: no assertion criteria provided. Collection method: clinical testing. Allele origin: germline. Not counted in ClinVar's aggregate classification.
Comment: This variant is classified as likely benign based on ACMG/AMP sequence variant interpretation guidelines (Richards et al. 2015 PMID: 25741868, with internal and published modifications).

Dr. Peter K. Rogan Lab, Western University
No classification provided (evidence only). Condition: Melanoma. Review status: no classification provided. Collection method: in vitro. Allele origin: not applicable. Functional consequence: retained intron. Not counted in ClinVar's aggregate classification.

Dr. Peter K. Rogan Lab, Western University
No classification provided (evidence only). Condition: Thyroid cancer, nonmedullary, 1. Review status: no classification provided. Collection method: in vitro. Allele origin: not applicable. Functional consequence: skipped exon. Not counted in ClinVar's aggregate classification.

Dr. Peter K. Rogan Lab, Western University
No classification provided (evidence only). Condition: Sarcoma. Review status: no classification provided. Collection method: in vitro. Allele origin: not applicable. Functional consequence: retained intron. Not counted in ClinVar's aggregate classification.

Dr. Peter K. Rogan Lab, Western University
No classification provided (evidence only). Condition: Thymoma. Review status: no classification provided. Collection method: in vitro. Allele origin: not applicable. Functional consequence: retained intron. Not counted in ClinVar's aggregate classification.